The following is an entry in ClinVar:

NM_014991.6(WDFY3):c.5039A>C (p.His1680Pro)

Gene: WDFY3 (WD repeat and FYVE domain containing 3; minus strand). Cytogenetic location: 4q21.23.
Variant type: single nucleotide variant.
Coding change: c.5039A>C on transcript NM_014991.6 (MANE Select); coding-DNA position 5039, A replaced by C.
Protein change: p.His1680Pro; replaces histidine 1680 with proline.
Molecular consequence: missense variant.
Genome position (GRCh38, 1-based): chr4:84,765,959, T>G on the plus strand (A>C on the coding strand, the complement: WDFY3 is on the minus strand). VCF-style: chr4-84765959-T-G. GRCh37 (hg19) VCF-style: chr4-85687112-T-G.
Other names: short protein forms H1680P.
Identifiers: ClinVar variation 2580080 (VCV002580080.2), dbSNP rs1743558222, ClinGen allele CA357542879.

ClinVar aggregate classification (germline): Uncertain significance (1 of 4 stars; one submission).

Submission:

GeneDx
Classification: Uncertain significance. Last evaluated: 2025-09-30. Review status: criteria provided, single submitter. Criteria: GeneDx Variant Classification Process June 2021. Collection method: clinical testing. Allele origin: germline.
Comment: Not observed at significant frequency in large population cohorts (gnomAD); In silico analysis supports that this missense variant has a deleterious effect on protein structure/function; Has not been previously published as pathogenic or benign to our knowledge